The following is an entry in ClinVar:

ClinVar aggregate classification (germline): Likely benign (0 of 4 stars; one submission).

Conditions:
BACE2-related disorder. Also called: BACE2-related condition.

Allele frequency attached by ClinVar (database versions not stated): 1000 Genomes Project 0.00200; 1000 Genomes Project 30x 0.00203; ExAC 0.00279; TOPMed 0.00341; gnomAD 0.00381; ESP Exome Variant Server 0.00392.

Submission:

PreventionGenetics, part of Exact Sciences
Classification: Likely benign for BACE2-related condition. Last evaluated: 2019-12-16. Review status: no assertion criteria provided. Collection method: clinical testing. Allele origin: germline.
Comment: This variant is classified as likely benign based on ACMG/AMP sequence variant interpretation guidelines (Richards et al. 2015 PMID: 25741868, with internal and published modifications).

NM_012105.5(BACE2):c.1378G>A (p.Ala460Thr)

Genes: BACE2 (beta-secretase 2; plus strand), LOC126653380 (CDK7 strongly-dependent group 2 enhancer GRCh37_chr21:42646500-42647699; plus strand). Cytogenetic location: 21q22.3.
Variant type: single nucleotide variant.
Coding change: c.1378G>A on transcript NM_012105.5 (MANE Select); coding-DNA position 1378, G replaced by A.
Protein change: p.Ala460Thr; replaces alanine 460 with threonine.
Molecular consequence: missense variant. On other transcripts: 3 prime UTR variant (1).
Genome position (GRCh38, 1-based): chr21:41,275,445, G>A. VCF-style: chr21-41275445-G-A. GRCh37 (hg19) VCF-style: chr21-42647372-G-A.
Other names: c.1228G>A, p.Ala410Thr (NM_138991.3); c.*18G>A (NM_138992.3); short protein forms A410T, A460T.
Identifiers: ClinVar variation 3038903 (VCV003038903.2), dbSNP rs149345353, ClinGen allele CA10032360.